The following is an entry in ClinVar:

ClinVar aggregate classification (germline): Conflicting classifications of pathogenicity. Review status: criteria provided, conflicting classifications (1 of 4 stars). 14 submissions from 13 submitters: Uncertain significance (7); Likely benign (7). Last evaluated 2026-03-06.

Conditions:
PALB2-related disorder. Also called: PALB2-related disorders; PALB2-related condition.
Pancreatic cancer, susceptibility to, 3. Identifiers: Orphanet 1333, MedGen C3150547, MONDO:0013236, OMIM 613348.
Familial cancer of breast. Also called: hereditary breast carcinoma; BREAST CANCER, FAMILIAL; Hereditary breast cancer. Identifiers: Orphanet 227535, MedGen C0346153, MONDO:0016419, OMIM 114480. Disease mechanism: loss of function.
Hereditary cancer-predisposing syndrome. Also called: Neoplastic Syndromes, Hereditary; Tumor predisposition; Hereditary Cancer Syndrome; Hereditary neoplastic syndrome. Identifiers: Orphanet 140162, MedGen C0027672, MeSH D009386, MONDO:0015356.
Fanconi anemia complementation group N. Also called: PALB2-Related Fanconi Anemia. Identifiers: Orphanet 84, MedGen C1835817, MONDO:0012565, OMIM 610832. Disease mechanism: loss of function.

Allele frequency attached by ClinVar (database versions not stated): gnomAD 0.00001; TOPMed 0.00004; ExAC 0.00007; gnomAD exomes 0.00011.
gnomAD v4.1: 41 of 1,613,962 alleles (0.0025%); highest among the groups gnomAD compares: Admixed American, 0.045%; no homozygotes.

Submissions (14):

PreventionGenetics, part of Exact Sciences
Classification: Likely benign for PALB2-related condition. Last evaluated: 2026-03-06. Review status: criteria provided, single submitter. Criteria: ACMG Guidelines, 2015. Collection method: clinical testing. Allele origin: germline.
Comment: This variant is classified as likely benign based on ACMG/AMP sequence variant interpretation guidelines (Richards et al. 2015 PMID: 25741868, with internal and published modifications).

Labcorp Genetics (formerly Invitae), Labcorp
Classification: Likely benign for Familial cancer of breast. Last evaluated: 2026-02-03. Review status: criteria provided, single submitter. Criteria: Invitae Variant Classification Sherloc (09022015). Collection method: clinical testing. Allele origin: germline.

Quest Diagnostics Nichols Institute San Juan Capistrano
Classification: Likely benign. Last evaluated: 2025-10-09. Review status: criteria provided, single submitter. Criteria: Quest Diagnostics criteria. Collection method: clinical testing. Allele origin: unknown.

GeneDx
Classification: Uncertain significance. Last evaluated: 2025-09-03. Review status: criteria provided, single submitter. Criteria: GeneDx Variant Classification Process June 2021. Collection method: clinical testing. Allele origin: germline. Affected: yes.
Comment: In silico analysis supports that this missense variant has a deleterious effect on protein structure/function; This variant is associated with the following publications: (PMID: 33309985, 32980694, 30287823, 33471991, 36243179, 25085752)

Myriad Genetics, Inc.
Classification: Likely benign for Familial cancer of breast. Last evaluated: 2025-01-14. Review status: criteria provided, single submitter. Criteria: Myriad Autosomal Dominant, Autosomal Recessive and X-Linked Classification Criteria (2023). Collection method: clinical testing. Allele origin: unknown.
Comment: This variant is considered likely benign. This variant is strongly associated with less severe personal and family histories of cancer, typical for individuals without pathogenic variants in this gene [PMID: 25085752].

ARUP Laboratories, Molecular Genetics and Genomics, ARUP Laboratories
Classification: Likely benign. Last evaluated: 2023-10-27. Review status: criteria provided, single submitter. Criteria: ARUP Molecular Germline Variant Investigation Process 2024. Collection method: clinical testing. Allele origin: germline.

St. Jude Molecular Pathology, St. Jude Children's Research Hospital
Classification: Uncertain significance for Familial cancer of breast. Last evaluated: 2022-11-17. Review status: criteria provided, single submitter. Criteria: St. Jude Assertion Criteria 2020. Collection method: clinical testing. Allele origin: germline.
Comment: The PALB2 c.1540G>A (p.Gly514Arg) missense change has a maximum subpopulation frequency of 0.078% in gnomAD v2.1.1. The in silico tool REVEL predicts a benign effect on protein function, but to our knowledge this prediction has not been confirmed by functional studies. This variant has been reported in individuals with breast cancer, prostate cancer, as well as in healthy controls (PMID: 30287823, 31206626, 31214711). It is absent in a database of women older than 70 years of age who have never had cancer (FLOSSIES). To our knowledge, this variant has not been reported in individuals with Fanconi anemia. In summary, the evidence currently available is insufficient to determine the clinical significance of this variant. It has therefore been classified as of uncertain significance.

Sema4
Classification: Uncertain significance for Hereditary cancer-predisposing syndrome. Last evaluated: 2022-02-21. Review status: criteria provided, single submitter. Criteria: Sema4 Curation Guidelines. Collection method: curation. Allele origin: germline.
Comment: The PALB2 c.1540G>A (p.G514R) variant has been reported in individuals with breast cancer, pancreatic cancer, colorectal cancer as well as in controls (PMID: 33471991, 32980694, 33309985, 30287823). It was observed in 27/3459 chromosomes of the Latino subpopulation in the large and broad cohorts of the Genome Aggregation Database (PMID: 32461654). The variant has been reported in ClinVar (Variation ID 232748). In silico tools suggest the impact of the variant on protein function is benign though these predictions have not been confirmed by functional studies. There is no indication that this variant causes disease, but the evidence is insufficient currently to prove that conclusively. Thus, the clinical significance of this variant is currently uncertain.

Ambry Genetics
Classification: Likely benign for Hereditary cancer-predisposing syndrome. Last evaluated: 2021-04-02. Review status: criteria provided, single submitter. Criteria: Ambry Variant Classification Scheme 2023. Collection method: clinical testing. Allele origin: germline.

Color Diagnostics, LLC DBA Color Health
Classification: Likely benign for Hereditary cancer-predisposing syndrome. Last evaluated: 2021-01-06. Review status: criteria provided, single submitter. Criteria: ACMG Guidelines, 2015. Collection method: clinical testing. Allele origin: germline.

Mendelics
Classification: Uncertain significance for Familial cancer of breast. Last evaluated: 2019-05-28. Review status: criteria provided, single submitter. Criteria: Mendelics Assertion Criteria 2017. Collection method: clinical testing. Allele origin: unknown.

Center for Genomics, Ann and Robert H. Lurie Children's Hospital of Chicago
Classification: Uncertain significance for Familial cancer of breast; Pancreatic cancer, susceptibility to, 3. Last evaluated: 2019-03-12. Review status: criteria provided, single submitter. Criteria: ACMG Guidelines, 2015. Collection method: clinical testing. Allele origin: germline.
Comment: PALB2 NM_024675.3 exon 4 p.Gly514Arg (c.1540G>A): This variant has not been reported in the literature and is present in 0.07% (27/34592) of Latino alleles in the Genome Aggregation Database. This variant amino acid Arginine (Arg) is present in several species including multiple mammals, and it is not well conserved among evolutionarily distant species; this suggests that this variant may not impact the protein. Additional computational prediction tools do not suggest an impact. In summary, data on this variant is insufficient for disease classification. Therefore, the clinical significance of this variant is uncertain.

Women's Health and Genetics/Laboratory Corporation of America, LabCorp
Classification: Uncertain significance. Last evaluated: 2016-08-08. Review status: criteria provided, single submitter. Criteria: LabCorp Variant Classification Summary - May 2015. Collection method: clinical testing. Allele origin: germline.
Comment: Variant summary: The PALB2 c.1540G>A (p.Gly514Arg) variant involves the alteration of a non-conserved nucleotide. The altered amino acid Gly514 is not clocated in any known domain. 3/4 in silico tools predict a benign outcome for this variant (SNPs&GO not captured due to low reliability index). Multiple clinical diagnostic laboratories/reputable databases classified this variant as uncertain significance. However, this variant was found in 8/121412 control chromosomes, predominantly observed in the Latino subpopulation at a frequency of 0.000691 (8/11578). This frequency is about 4 times the estimated maximal expected allele frequency of a pathogenic PALB2 variant (0.0001563), suggesting this is likely a benign polymorphism found primarily in the populations of Latino origin. Taken together, this variant is classified as VUS-possibly benign.

Center for Genomics, Ann and Robert H. Lurie Children's Hospital of Chicago
Classification: Uncertain significance for Familial cancer of breast; Pancreatic cancer, susceptibility to, 3; Fanconi anemia complementation group N. Review status: criteria provided, single submitter. Criteria: ACMG Guidelines, 2015. Collection method: clinical testing. Allele origin: germline.
Comment: the same text as in the submission from Center for Genomics, Ann and Robert H. Lurie Children's Hospital of Chicago above.

Literature cited by the submitters: PubMed 33471991 (cited by Quest Diagnostics Nichols Institute San Juan Capistrano and Sema4); PubMed 33309985 (cited by 3 submitters); PubMed 32980694 (cited by Quest Diagnostics Nichols Institute San Juan Capistrano and Sema4); PubMed 36243179 (cited by Quest Diagnostics Nichols Institute San Juan Capistrano); PubMed 30287823 (cited by 3 submitters); PubMed 25085752 (cited by Myriad Genetics, Inc.).

NM_024675.4(PALB2):c.1540G>A (p.Gly514Arg)

Gene: PALB2 (partner and localizer of BRCA2; minus strand). Cytogenetic location: 16p12.2.
Variant type: single nucleotide variant.
Coding change: c.1540G>A on transcript NM_024675.4 (MANE Select); coding-DNA position 1540, G replaced by A.
Protein change: p.Gly514Arg; replaces glycine 514 with arginine.
Molecular consequence: missense variant.
Genome position (GRCh38, 1-based): chr16:23,635,006, C>T on the plus strand (G>A on the coding strand, the complement: PALB2 is on the minus strand). VCF-style: chr16-23635006-C-T. GRCh37 (hg19) VCF-style: chr16-23646327-C-T.
Other names: short protein forms G514R.
Identifiers: ClinVar variation 232748 (VCV000232748.40), dbSNP rs756778249, ClinGen allele CA7963698.
Genomic context (GRCh38, chr16:23,635,006, plus strand): 5'-AAGTTGGCAAAAGTGGTTCACAATGATCTGATGCTGGGGTGCAGGCTGATTTTCTTTTTC[C>T]TGTGTATCTTCTACCAGGTGCTTGGGCAACTGCCTTCCTAGACAAGTCATTATCTTCAGT-3'
Protein context (NP_078951.2, residues 504-524): VAQAPGRRYT[Gly514Arg]KRKSACTPAS